The following is an entry in ClinVar:

NM_001401501.2(MUC16):c.45836C>T (p.Ser15279Phe)

Gene: MUC16 (mucin 16, cell surface associated; minus strand). Cytogenetic location: 19p13.2.
Variant type: single nucleotide variant.
Coding change: c.45836C>T on transcript NM_001401501.2 (MANE Select); coding-DNA position 45836, C replaced by T.
Protein change: p.Ser15279Phe; replaces serine 15279 with phenylalanine.
Molecular consequence: missense variant.
Genome position (GRCh38, 1-based): chr19:8,851,713, G>A on the plus strand (C>T on the coding strand, the complement: MUC16 is on the minus strand). VCF-style: chr19-8851713-G-A. GRCh37 (hg19) VCF-style: chr19-8962389-G-A.
Other names: c.46262C>T, p.Ser15421Phe (NM_001414686.1); c.45716C>T, p.Ser15239Phe (NM_001414687.1); c.43310C>T, p.Ser14437Phe (NM_024690.2); short protein forms S14437F, S15239F, S15279F, S15421F.
Identifiers: ClinVar variation 3056717 (VCV003056717.2), dbSNP rs72999925, ClinGen allele CA9162087.
Genomic context (GRCh38, chr19:8,851,713, plus strand): 5'-GGGCTGGGGCTTCTTTGAGACTTACCAGAATTCCCAGTTAAGGGCTCATTTCTGTTGGGA[G>A]AATACCCTAGAAATGAAAGAAATGGAGGGTGCATGTGAGTGTGTCTTTTTTTTTTTTTTT-3'
Protein context (NP_001388430.1, residues 15269-15289): DRSSVLVDGY[Ser15279Phe]PNRNEPLTGN

ClinVar aggregate classification (germline): Benign (0 of 4 stars; one submission).

Conditions:
MUC16-related disorder. Also called: MUC16-related condition.

Allele frequency attached by ClinVar (database versions not stated): 1000 Genomes Project 0.01358; 1000 Genomes Project 30x 0.01468; ExAC 0.01922; TOPMed 0.02524; ESP Exome Variant Server 0.02730; gnomAD 0.02747.

Submission:

PreventionGenetics, part of Exact Sciences
Classification: Benign for MUC16-related condition. Last evaluated: 2019-02-26. Review status: no assertion criteria provided. Collection method: clinical testing. Allele origin: germline.
Comment: This variant is classified as benign based on ACMG/AMP sequence variant interpretation guidelines (Richards et al. 2015 PMID: 25741868, with internal and published modifications).